The following is an entry in ClinVar:

NM_014112.5(TRPS1):c.1093C>T (p.Gln365Ter)

Gene: TRPS1 (transcriptional repressor GATA binding 1; minus strand). Cytogenetic location: 8q23.3.
Variant type: single nucleotide variant.
Coding change: c.1093C>T on transcript NM_014112.5 (MANE Select); coding-DNA position 1093, C replaced by T.
Protein change: p.Gln365Ter; replaces glutamine 365 with a stop codon.
Molecular consequence: nonsense.
Genome position (GRCh38, 1-based): chr8:115,604,876, G>A on the plus strand (C>T on the coding strand, the complement: TRPS1 is on the minus strand). VCF-style: chr8-115604876-G-A. GRCh37 (hg19) VCF-style: chr8-116617103-G-A.
Other names: c.1066C>T, p.Gln356Ter (NM_001282902.3); c.1072C>T, p.Gln358Ter (NM_001282903.3); c.1054C>T, p.Gln352Ter (NM_001330599.2); c.1093C>T (NM_014112.2); short protein forms Q365*, Q356*, Q358*, Q352*.
Identifiers: ClinVar variation 438447 (VCV000438447.11), dbSNP rs1554596393, ClinGen allele CA372068161.

ClinVar aggregate classification (germline): Pathogenic. Review status: criteria provided, multiple submitters, no conflicts (2 of 4 stars). 3 submissions from 3 submitters: Pathogenic (2). 1 of the submissions does not count toward it. Last evaluated 2025-06-12.

Conditions:
Trichorhinophalangeal syndrome, type III (TRPS3). Also called: SUGIO-KAJII SYNDROME. Identifiers: Orphanet 77258, MedGen C1860823, OMIM 190351, MONDO:0008597.
Trichorhinophalangeal dysplasia type I (TRPS1). Also called: TRPS I; TRICHORHINOPHALANGEAL SYNDROME, TYPE I. Identifiers: Orphanet 77258, MedGen C0432233, MONDO:0008596, OMIM 190350.

Submissions (3):

GeneDx
Classification: Pathogenic. Last evaluated: 2025-06-12. Review status: criteria provided, single submitter. Criteria: GeneDx Variant Classification Process June 2021. Collection method: clinical testing. Allele origin: germline. Affected: yes.
Comment: Nonsense variant predicted to result in protein truncation or nonsense mediated decay in a gene for which loss of function is a known mechanism of disease; Not observed at significant frequency in large population cohorts (gnomAD); This variant is associated with the following publications: (PMID: 38702915, 25792522)

Labcorp Genetics (formerly Invitae), Labcorp
Classification: Pathogenic for Trichorhinophalangeal syndrome, type III; Trichorhinophalangeal dysplasia type I. Last evaluated: 2022-09-07. Review status: criteria provided, single submitter. Criteria: Invitae Variant Classification Sherloc (09022015). Collection method: clinical testing. Allele origin: germline.
Comment: For these reasons, this variant has been classified as Pathogenic. ClinVar contains an entry for this variant (Variation ID: 438447). This premature translational stop signal has been observed in individual(s) with tricho-rhino-phalangeal syndrome (PMID: 25792522). This variant is not present in population databases (gnomAD no frequency). This sequence change creates a premature translational stop signal (p.Gln365*) in the TRPS1 gene. It is expected to result in an absent or disrupted protein product. Loss-of-function variants in TRPS1 are known to be pathogenic (PMID: 11112658).

GeneReviews
No classification provided. Condition: Trichorhinophalangeal dysplasia type I. Review status: no classification provided. Collection method: literature only. Allele origin: germline. Not counted in ClinVar's aggregate classification.

Literature cited by the submitters: PubMed 25792522 (cited by Labcorp Genetics (formerly Invitae), Labcorp and GeneReviews); PubMed 11112658 (cited by Labcorp Genetics (formerly Invitae), Labcorp); NCBI Bookshelf NBK425926 (cited by GeneReviews).